The following is an entry in ClinVar:

ClinVar aggregate classification (germline): Uncertain significance. Review status: criteria provided, multiple submitters, no conflicts (2 of 4 stars). 2 submissions from 2 submitters: Uncertain significance (2). Last evaluated 2022-04-21.

Conditions:
Pierpont syndrome (PRPTS). Identifiers: Orphanet 487825, MedGen C1865644, MONDO:0011213, OMIM 602342.

Submissions (2):

Labcorp Genetics (formerly Invitae), Labcorp
Classification: Uncertain significance for Pierpont syndrome. Last evaluated: 2022-04-21. Review status: criteria provided, single submitter. Criteria: Invitae Variant Classification Sherloc (09022015). Collection method: clinical testing. Allele origin: germline.
Comment: This sequence change replaces asparagine, which is neutral and polar, with serine, which is neutral and polar, at codon 40 of the TBL1XR1 protein (p.Asn40Ser). This variant is not present in population databases (gnomAD no frequency). This variant has not been reported in the literature in individuals affected with TBL1XR1-related conditions. Algorithms developed to predict the effect of missense changes on protein structure and function (SIFT, PolyPhen-2, Align-GVGD) all suggest that this variant is likely to be tolerated. In summary, the available evidence is currently insufficient to determine the role of this variant in disease. Therefore, it has been classified as a Variant of Uncertain Significance.

GeneDx
Classification: Uncertain significance. Last evaluated: 2021-10-22. Review status: criteria provided, single submitter. Criteria: GeneDx Variant Classification Process June 2021. Collection method: clinical testing. Allele origin: germline. Affected: yes.
Comment: Not observed at significant frequency in large population cohorts (gnomAD); In silico analysis supports that this missense variant has a deleterious effect on protein structure/function; Has not been previously published as pathogenic or benign to our knowledge

NM_024665.7(TBL1XR1):c.119A>G (p.Asn40Ser)

Gene: TBL1XR1 (TBL1X/Y related 1; minus strand). Cytogenetic location: 3q26.32.
Variant type: single nucleotide variant.
Coding change: c.119A>G on transcript NM_024665.7 (MANE Select); coding-DNA position 119, A replaced by G.
Protein change: p.Asn40Ser; replaces asparagine 40 with serine.
Molecular consequence: missense variant. On other transcripts: 5 prime UTR variant (2).
Genome position (GRCh38, 1-based): chr3:177,053,858, T>C on the plus strand (A>G on the coding strand, the complement: TBL1XR1 is on the minus strand). VCF-style: chr3-177053858-T-C. GRCh37 (hg19) VCF-style: chr3-176771646-T-C.
Other names: c.119A>G, p.Asn40Ser (NM_001321193.3, NM_001321194.3, NM_001374327.1 and 2 more transcripts); c.-143A>G (NM_001321195.3, NM_001374330.1); short protein forms N40S.
Identifiers: ClinVar variation 1678678 (VCV001678678.4), dbSNP rs2108504030, ClinGen allele CA355553716.
Genomic context (GRCh38, chr3:177,053,858, plus strand): 5'-ACATACTGTAGACCTTTCTGGATGATAGAAATCAATGCAGCGGGTGGGACGAGGGCACCA[T>C]TTATATTGGACTGACTGATATGGCTTTCTATACCAAAGGTAAATGCTGAATGAGAAAATC-3'
Protein context (NP_078941.2, residues 30-50): IESHISQSNI[Asn40Ser]GALVPPAALI